The following is an entry in ClinVar:

ClinVar aggregate classification (germline): Likely benign. Review status: criteria provided, multiple submitters, no conflicts (2 of 4 stars). 2 submissions from 2 submitters: Likely benign (2). Last evaluated 2025-06-27.

Conditions:
Early-infantile DEE. Also called: Early infantile epileptic encephalopathy; Ohtahara syndrome; Early infantile epileptic encephalopathy with suppression bursts. Identifiers: Orphanet 1934, MedGen C0393706, MONDO:0800491.

Submissions (2):

Labcorp Genetics (formerly Invitae), Labcorp
Classification: Likely benign for Early-infantile DEE. Last evaluated: 2025-06-27. Review status: criteria provided, single submitter. Criteria: Invitae Variant Classification Sherloc (09022015). Collection method: clinical testing. Allele origin: germline.

GeneDx
Classification: Likely benign. Last evaluated: 2015-11-13. Review status: criteria provided, single submitter. Criteria: GeneDx Variant Classification (06012015). Collection method: clinical testing. Allele origin: germline. Affected: yes.
Comment: This variant is considered likely benign or benign based on one or more of the following criteria: it is a conservative change, it occurs at a poorly conserved position in the protein, it is predicted to be benign by multiple in silico algorithms, and/or has population frequency not consistent with disease.

NM_001130438.3(SPTAN1):c.4905+19dup

Gene: SPTAN1 (spectrin alpha, non-erythrocytic 1; plus strand). Cytogenetic location: 9q34.11.
Variant type: Duplication.
Coding change: c.4905+19dup on transcript NM_001130438.3 (MANE Select); 19 bases into the intron after coding-DNA position 4905, one base duplicated (C; older notation c.4905+19dupC).
Molecular consequence: intron variant.
Genome position (GRCh38, 1-based): chr9:128,611,864, C duplicated; the last of 3 consecutive C bases (chr9:128,611,862-128,611,864); duplicating any one gives the same sequence. VCF-style (leftmost placement, unchanged base first): chr9-128611861-T-TC. GRCh37 (hg19) VCF-style: chr9-131374140-T-TC.
Other names: c.4905+19dup (NM_001363759.2); c.4890+19dup (NM_003127.4); c.4845+19dup (NM_001363765.2); c.4830+19dup (NM_001195532.2); c.4905+19dupC (NM_001130438.2).
Identifiers: ClinVar variation 420185 (VCV000420185.9), dbSNP rs763250092, ClinGen allele CA5265321.